The following is an entry in ClinVar:

NM_000108.5(DLD):c.831G>T (p.Lys277Asn)

Gene: DLD (dihydrolipoamide dehydrogenase; plus strand). Cytogenetic location: 7q31.1.
Variant type: single nucleotide variant.
Coding change: c.831G>T on transcript NM_000108.5 (MANE Select); coding-DNA position 831, G replaced by T.
Protein change: p.Lys277Asn; replaces lysine 277 with asparagine.
Molecular consequence: missense variant.
Genome position (GRCh38, 1-based): chr7:107,915,652, G>T. VCF-style: chr7-107915652-G-T. GRCh37 (hg19) VCF-style: chr7-107556097-G-T.
Other names: c.534G>T, p.Lys178Asn (NM_001289750.1); c.762G>T, p.Lys254Asn (NM_001289751.1); c.687G>T, p.Lys229Asn (NM_001289752.1); short protein forms K254N, K229N, K178N, K277N.
Identifiers: ClinVar variation 2151483 (VCV002151483.1), dbSNP rs1351453420, ClinGen allele CA368857277.
Genomic context (GRCh38, chr7:107,915,652, plus strand): 5'-ATCTAAAAACTTTCAACGCATCCTTCAAAAACAGGGGTTTAAATTTAAATTGAATACAAA[G>T]GTTACTGGTGCTACCAAGAAGTCAGATGGAAAAATTGATGTTTCGTAAGTATACATCATT-3'
Protein context (NP_000099.2, residues 267-287): KQGFKFKLNT[Lys277Asn]VTGATKKSDG

ClinVar aggregate classification (germline): Uncertain significance (1 of 4 stars; one submission).

Conditions:
Pyruvate dehydrogenase E3 deficiency (DLDD). Also called: Dihydrolipoamide Dehydrogenase Deficiency; MAPLE SYRUP URINE DISEASE, TYPE III; Dihydrolipoamide Dehydrogenase E3 Deficiency; DLD DEFICIENCY; E3 DEFICIENCY; Lipoamide dehydrogenase deficiency. Identifiers: Orphanet 2394, Orphanet 765, MedGen C5574660, MONDO:0009529, OMIM 246900.

Allele frequency attached by ClinVar (database versions not stated): gnomAD exomes below 0.00001; TOPMed below 0.00001.
gnomAD v4.1: 6 of 1,613,598 alleles (0.00037%); highest among the groups gnomAD compares: Non-Finnish European, 0.00051%; no homozygotes.

Submission:

Labcorp Genetics (formerly Invitae), Labcorp
Classification: Uncertain significance for Pyruvate dehydrogenase E3 deficiency. Last evaluated: 2022-02-01. Review status: criteria provided, single submitter. Criteria: Invitae Variant Classification Sherloc (09022015). Collection method: clinical testing. Allele origin: germline.
Comment: This sequence change replaces lysine, which is basic and polar, with asparagine, which is neutral and polar, at codon 277 of the DLD protein (p.Lys277Asn). This variant is not present in population databases (gnomAD no frequency). This variant has not been reported in the literature in individuals affected with DLD-related conditions. Algorithms developed to predict the effect of missense changes on protein structure and function (SIFT, PolyPhen-2, Align-GVGD) all suggest that this variant is likely to be disruptive. In summary, the available evidence is currently insufficient to determine the role of this variant in disease. Therefore, it has been classified as a Variant of Uncertain Significance.